The following is an entry in ClinVar:

NM_031407.7(HUWE1):c.4423G>C (p.Asp1475His)

Gene: HUWE1 (HECT, UBA and WWE domain containing E3 ubiquitin protein ligase 1; minus strand). Cytogenetic location: Xp11.22.
Variant type: single nucleotide variant.
Coding change: c.4423G>C on transcript NM_031407.7 (MANE Select); coding-DNA position 4423, G replaced by C.
Protein change: p.Asp1475His; replaces aspartic acid 1475 with histidine.
Molecular consequence: missense variant.
Genome position (GRCh38, 1-based): chrX:53,589,585, C>G on the plus strand (G>C on the coding strand, the complement: HUWE1 is on the minus strand). VCF-style: chrX-53589585-C-G. GRCh37 (hg19) VCF-style: chrX-53616545-C-G.
Other names: short protein forms D1475H.
Identifiers: ClinVar variation 590216 (VCV000590216.5), dbSNP rs782205349, ClinGen allele CA10422413.

ClinVar aggregate classification (germline): Uncertain significance (1 of 4 stars; one submission).

Conditions:
Inborn genetic diseases. Identifiers: MedGen C0950123, MeSH D030342.

Allele frequency attached by ClinVar (database versions not stated): gnomAD exomes 0.00001 and 0.00002; TOPMed 0.00001; ExAC 0.00003.
gnomAD v4.1: 3 of 1,211,444 alleles (0.00025%); highest among the groups gnomAD compares: Non-Finnish European, 0.00034%; no homozygotes.

Submission:

Ambry Genetics
Classification: Uncertain significance for Inborn genetic diseases. Last evaluated: 2020-10-15. Review status: criteria provided, single submitter. Criteria: Ambry Variant Classification Scheme 2023. Collection method: clinical testing. Allele origin: germline.
Comment: The p.D1475H variant (also known as c.4423G>C), located in coding exon 33 of the HUWE1 gene, results from a G to C substitution at nucleotide position 4423. The aspartic acid at codon 1475 is replaced by histidine, an amino acid with similar properties. This amino acid position is not well conserved in available vertebrate species. In addition, this alteration is predicted to be tolerated by in silico analysis. Since supporting evidence is limited at this time, the clinical significance of this alteration remains unclear.